The following is an entry in ClinVar:

ClinVar aggregate classification (germline): Uncertain significance (1 of 4 stars; one submission).

Submission:

GeneDx
Classification: Uncertain significance. Last evaluated: 2024-08-06. Review status: criteria provided, single submitter. Criteria: GeneDx Variant Classification Process June 2021. Collection method: clinical testing. Allele origin: germline. Affected: yes.
Comment: Not observed at significant frequency in large population cohorts (gnomAD); In silico analysis indicates that this missense variant does not alter protein structure/function; Has not been previously published as pathogenic or benign to our knowledge

NM_005765.3(ATP6AP2):c.63A>G (p.Ile21Met)

Gene: ATP6AP2 (ATPase H+ transporting accessory protein 2; plus strand). Cytogenetic location: Xp11.4.
Variant type: single nucleotide variant.
Coding change: c.63A>G on transcript NM_005765.3 (MANE Select); coding-DNA position 63, A replaced by G.
Protein change: p.Ile21Met; replaces isoleucine 21 with methionine.
Molecular consequence: missense variant.
Genome position (GRCh38, 1-based): chrX:40,589,011, A>G. VCF-style: chrX-40589011-A-G. GRCh37 (hg19) VCF-style: chrX-40448263-A-G.
Other names: short protein forms I21M.
Identifiers: ClinVar variation 3602982 (VCV003602982.1).
Genomic context (GRCh38, chrX:40,589,011, plus strand): 5'-TTGATAATTCATTTACTGATCTGTTTTCTTTTCAGGTGTTTTGGGGAACGAGTTTAGTAT[A>G]TTAAAATCACCAGGGTCTGTTGTTTTCCGAAATGGAAATTGGCCTATACCAGGAGAGCGG-3'
Protein context (NP_005756.2, residues 11-31): VAGVLGNEFS[Ile21Met]LKSPGSVVFR